The following is an entry in ClinVar:

ClinVar aggregate classification (germline): Pathogenic (1 of 4 stars; one submission).

Conditions:
Familial hypocalciuric hypercalcemia (FHH). Also called: Familial benign hypercalcemia. Identifiers: Orphanet 405, MedGen C1809471, MONDO:0018458.
Autosomal dominant hypocalcemia 1 (HYPOC1). Also called: HYPOCALCEMIA, FAMILIAL. Identifiers: MedGen C3715128, MONDO:0011013, OMIM 601198.

Submission:

Labcorp Genetics (formerly Invitae), Labcorp
Classification: Pathogenic for Familial hypocalciuric hypercalcemia; Autosomal dominant hypocalcemia 1. Last evaluated: 2024-01-15. Review status: criteria provided, single submitter. Criteria: Invitae Variant Classification Sherloc (09022015). Collection method: clinical testing. Allele origin: germline.
Comment: A gross deletion of the genomic region encompassing the full coding sequence of the CASR gene has been identified. Loss-of-function variants in CASR are known to be pathogenic (PMID: 11807402, 14985373, 22422767). The boundaries of this event are unknown as they extend beyond the assayed region for this gene and therefore may encompass additional genes. This variant has not been reported in the literature in individuals affected with CASR-related conditions. For these reasons, this variant has been classified as Pathogenic.

Literature cited by the submitters: PubMed 11807402; PubMed 14985373; PubMed 22422767.

NC_000003.11:g.(?_121973037)_(122004038_?)del

Gene: CASR (calcium sensing receptor; plus strand). Cytogenetic location: 3q21.1.
Variant type: Deletion.
Identifiers: ClinVar variation 1071373 (VCV001071373.7).